The following is an entry in ClinVar:

NM_000540.3(RYR1):c.15035G>A (p.Trp5012Ter)

Gene: RYR1 (ryanodine receptor 1; plus strand). Cytogenetic location: 19q13.2.
Variant type: single nucleotide variant.
Coding change: c.15035G>A on transcript NM_000540.3 (MANE Select); coding-DNA position 15035, G replaced by A.
Protein change: p.Trp5012Ter; replaces tryptophan 5012 with a stop codon.
Molecular consequence: nonsense.
Genome position (GRCh38, 1-based): chr19:38,587,338, G>A. VCF-style: chr19-38587338-G-A. GRCh37 (hg19) VCF-style: chr19-39077978-G-A.
Other names: c.15020G>A, p.Trp5007Ter (NM_001042723.2); short protein forms W5012*, W5007*.
Identifiers: ClinVar variation 2181109 (VCV002181109.9), dbSNP rs1258521835, ClinGen allele CA081409.

ClinVar aggregate classification (germline): Uncertain significance. Review status: criteria provided, multiple submitters, no conflicts (2 of 4 stars). 4 submissions from 4 submitters: Uncertain significance (4). Last evaluated 2025-06-24.

Conditions:
RYR1-related disorder. Also called: RYR1-related condition; RYR1-related disorders. Identifiers: MedGen CN239331.
Malignant hyperthermia, susceptibility to, 1 (MHS1). Also called: Anesthesia related hyperthermia; Malignant hyperpyrexia; Fulminating hyperpyrexia; Pharmacogenic myopathy; RYR1-Related Malignant Hyperthermia Susceptibility; Malignant hyperthermia suceptibility 1. Identifiers: Orphanet 423, MedGen C2930980, MONDO:0007783, OMIM 145600.

Allele frequency attached by ClinVar (database versions not stated): gnomAD exomes below 0.00001; gnomAD 0.00001; TOPMed 0.00001.
gnomAD v4.1: 8 of 1,613,524 alleles (0.0005%); highest among the groups gnomAD compares: Non-Finnish European, 0.000085%; no homozygotes.

Submissions (4):

Color Diagnostics, LLC DBA Color Health
Classification: Uncertain significance for Malignant hyperthermia, susceptibility to, 1. Last evaluated: 2025-06-24. Review status: criteria provided, single submitter. Criteria: ACMG Guidelines, 2015. Collection method: clinical testing. Allele origin: germline.
Comment: This variant changes 1 nucleotide in exon 106 of the RYR1 gene, creating a premature translation stop signal in the last exon. The mutant transcript is expected to escape nonsense mediated decay and be expressed as a truncated protein with the last 27 amino acids missing from the C-terminus. To our knowledge, this variant has not been reported in individuals affected with RYR1-related disorders in the literature. This variant has been identified in 3/251418 chromosomes in the general population by the Genome Aggregation Database (gnomAD). The available evidence is insufficient to determine the role of this variant in disease conclusively. Therefore, this variant is classified as a Variant of Uncertain Significance.

All of Us Research Program, National Institutes of Health
Classification: Uncertain significance for Malignant hyperthermia, susceptibility to, 1. Last evaluated: 2024-08-06. Review status: criteria provided, single submitter. Criteria: ACMG Guidelines, 2015. Collection method: clinical testing. Allele origin: germline. Inheritance: Autosomal dominant inheritance. Observed: 2 variant alleles, 2 heterozygotes.
Comment: This variant changes 1 nucleotide in exon 106 of the RYR1 gene, creating a premature translation stop signal in the last exon. The mutant transcript is expected to escape nonsense mediated decay and be expressed as a truncated protein with the last 27 amino acids missing from the C-terminus. To our knowledge, this variant has not been reported in individuals affected with RYR1-related disorders in the literature. This variant has been identified in 3/251418 chromosomes in the general population by the Genome Aggregation Database (gnomAD). The available evidence is insufficient to determine the role of this variant in disease conclusively. Therefore, this variant is classified as a Variant of Uncertain Significance.

This study involves interpretation of variants in research participants for the purpose of population health screening. Participant phenotype was not available at the time of variant classification. Additional details can be found in publication PMID: 35346344, PMCID: PMC8962531

Labcorp Genetics (formerly Invitae), Labcorp
Classification: Uncertain significance for RYR1-related disorder. Last evaluated: 2024-01-26. Review status: criteria provided, single submitter. Criteria: Invitae Variant Classification Sherloc (09022015). Collection method: clinical testing. Allele origin: germline.
Comment: This sequence change creates a premature translational stop signal (p.Trp5012*) in the RYR1 gene. While this is not anticipated to result in nonsense mediated decay, it is expected to disrupt the last 27 amino acid(s) of the RYR1 protein. This variant is present in population databases (no rsID available, gnomAD 0.03%). This premature translational stop signal has been observed in individual(s) with clinical features of autosomal recessive RYR1-related myopathy (Invitae). In at least one individual the data is consistent with being in trans (on the opposite chromosome) from a pathogenic variant. ClinVar contains an entry for this variant (Variation ID: 2181109). Experimental studies and prediction algorithms are not available or were not evaluated, and the functional significance of this variant is currently unknown. Algorithms developed to predict the effect of sequence changes on RNA splicing suggest that this variant may disrupt the consensus splice site. In summary, the available evidence is currently insufficient to determine the role of this variant in disease. Therefore, it has been classified as a Variant of Uncertain Significance.

Revvity Omics, Revvity
Classification: Uncertain significance. Last evaluated: 2023-04-07. Review status: criteria provided, single submitter. Criteria: ACMG Guidelines, 2015. Collection method: clinical testing. Allele origin: germline.